The following is an entry in ClinVar:

NM_014862.4(ARNT2):c.1349T>C (p.Val450Ala)

Gene: ARNT2 (aryl hydrocarbon receptor nuclear translocator 2; plus strand). Cytogenetic location: 15q25.1.
Variant type: single nucleotide variant.
Coding change: c.1349T>C on transcript NM_014862.4 (MANE Select); coding-DNA position 1349, T replaced by C.
Protein change: p.Val450Ala; replaces valine 450 with alanine.
Molecular consequence: missense variant.
Genome position (GRCh38, 1-based): chr15:80,574,180, T>C. VCF-style: chr15-80574180-T-C. GRCh37 (hg19) VCF-style: chr15-80866521-T-C.
Other names: short protein forms V450A.
Identifiers: ClinVar variation 790326 (VCV000790326.23), dbSNP rs150257520, ClinGen allele CA7692003.

ClinVar aggregate classification (germline): Likely benign. Review status: criteria provided, multiple submitters, no conflicts (2 of 4 stars). 3 submissions from 3 submitters: Likely benign (3). Last evaluated 2025-09-04.

Conditions:
ARNT2-related disorder. Also called: ARNT2-related condition.

Allele frequency attached by ClinVar (database versions not stated): TOPMed 0.00054; 1000 Genomes Project 30x 0.00016; 1000 Genomes Project 0.00020; ESP Exome Variant Server 0.00092; gnomAD exomes 0.00097 and 0.00110; ExAC 0.00100; gnomAD 0.00120 and 0.00128.
gnomAD v4.1: 1,759 of 1,614,208 alleles (0.11%); highest among the groups gnomAD compares: Non-Finnish European, 0.11%; 3 homozygotes.

Submissions (3):

Labcorp Genetics (formerly Invitae), Labcorp
Classification: Likely benign. Last evaluated: 2025-09-04. Review status: criteria provided, single submitter. Criteria: Invitae Variant Classification Sherloc (09022015). Collection method: clinical testing. Allele origin: germline.

PreventionGenetics, part of Exact Sciences
Classification: Likely benign for ARNT2-related condition. Last evaluated: 2024-12-04. Review status: criteria provided, single submitter. Criteria: ACMG Guidelines, 2015. Collection method: clinical testing. Allele origin: germline.
Comment: This variant is classified as likely benign based on ACMG/AMP sequence variant interpretation guidelines (Richards et al. 2015 PMID: 25741868, with internal and published modifications).

CeGaT Center for Human Genetics Tuebingen
Classification: Likely benign. Last evaluated: 2024-12-01. Review status: criteria provided, single submitter. Criteria: CeGaT Center For Human Genetics Tuebingen Variant Classification Criteria Version 2. Collection method: clinical testing. Allele origin: germline. Affected: yes. Observed: 1 variant allele.
Comment: ARNT2: BS2